The following is an entry in ClinVar:

ClinVar aggregate classification (germline): Likely benign (1 of 4 stars; one submission).

Conditions:
Leigh syndrome (NULS). Also called: Leigh's necrotizing encephalopathy; Leigh's disease; Leigh Syndrome (mtDNA deletion); Leigh Disease; Subacute necrotizing encephalopathy; Necrotizing encephalopathy infantile subacute of Leigh. Identifiers: Orphanet 506, MedGen C2931891, MONDO:0009723, OMIM 256000.

Submission:

Wong Mito Lab, Molecular and Human Genetics, Baylor College of Medicine
Classification: Likely benign for Leigh syndrome. Last evaluated: 2019-10-17. Review status: criteria provided, single submitter. Criteria: Modified ACMG Guidelines (Unpublished). Collection method: clinical testing. Allele origin: germline.
Comment: The NC_012920.1:m.6081G>A (YP_003024028.1:p.Ala60Thr) variant in MTCO1 gene is interpretated to be a Likely Benign variant based on the modified ACMG guidelines (unpublished). This variant meets the following evidence codes: BS4, BP6

Literature cited by the submitters: PubMed 15647368.

NC_012920.1(MT-CO1):m.6081G>A

Gene: MT-CO1 (mitochondrially encoded cytochrome c oxidase I; plus strand).
Variant type: single nucleotide variant.
Genome position: chrM-6081-G-A.
Identifiers: ClinVar variation 692617 (VCV000692617.1), dbSNP rs1603220261, ClinGen allele CA414781585.